The following is an entry in ClinVar:

ClinVar aggregate classification (germline): Uncertain significance. Review status: criteria provided, multiple submitters, no conflicts (2 of 4 stars). 2 submissions from 2 submitters: Uncertain significance (2). Last evaluated 2025-06-24.

Conditions:
Inborn genetic diseases. Identifiers: MedGen C0950123, MeSH D030342.

gnomAD v4.1: 2 of 1,551,700 alleles (0.00013%); highest among the groups gnomAD compares: South Asian, 0.0012%; no homozygotes.

Submissions (2):

Ambry Genetics
Classification: Uncertain significance for Inborn genetic diseases. Last evaluated: 2025-06-24. Review status: criteria provided, single submitter. Criteria: Ambry Variant Classification Scheme 2023. Collection method: clinical testing. Allele origin: germline.

Labcorp Genetics (formerly Invitae), Labcorp
Classification: Uncertain significance. Last evaluated: 2025-05-10. Review status: criteria provided, single submitter. Criteria: Invitae Variant Classification Sherloc (09022015). Collection method: clinical testing. Allele origin: germline.
Comment: This sequence change replaces methionine, which is neutral and non-polar, with isoleucine, which is neutral and non-polar, at codon 841 of the ZSWIM6 protein (p.Met841Ile). This variant is not present in population databases (gnomAD no frequency). This variant has not been reported in the literature in individuals affected with ZSWIM6-related conditions. Invitae Evidence Modeling of protein sequence and biophysical properties (such as structural, functional, and spatial information, amino acid conservation, physicochemical variation, residue mobility, and thermodynamic stability) indicates that this missense variant is not expected to disrupt ZSWIM6 protein function with a negative predictive value of 80%. In summary, the available evidence is currently insufficient to determine the role of this variant in disease. Therefore, it has been classified as a Variant of Uncertain Significance.

NM_020928.2(ZSWIM6):c.2523G>A (p.Met841Ile)

Gene: ZSWIM6 (zinc finger SWIM-type containing 6; plus strand). Cytogenetic location: 5q12.1.
Variant type: single nucleotide variant.
Coding change: c.2523G>A on transcript NM_020928.2 (MANE Select); coding-DNA position 2523, G replaced by A.
Protein change: p.Met841Ile; replaces methionine 841 with isoleucine.
Molecular consequence: missense variant.
Genome position (GRCh38, 1-based): chr5:61,538,955, G>A. VCF-style: chr5-61538955-G-A. GRCh37 (hg19) VCF-style: chr5-60834782-G-A.
Other names: short protein forms M841I.
Identifiers: ClinVar variation 4213909 (VCV004213909.2).